The following is an entry in ClinVar:

ClinVar aggregate classification (germline): Conflicting classifications of pathogenicity. Review status: criteria provided, conflicting classifications (1 of 4 stars). 3 submissions from 3 submitters: Uncertain significance (1); Benign (1). 1 of the submissions does not count toward it. Last evaluated 2026-01-01.

Conditions:
COL11A2-related disorder. Also called: COL11A2-related condition; COL11A2-related disorders.

Allele frequency attached by ClinVar (database versions not stated): gnomAD 0.00001; ExAC 0.00006.
gnomAD v4.1: 21 of 1,362,780 alleles (0.0015%); highest among the groups gnomAD compares: Admixed American, 0.038%; no homozygotes.

Submissions (3):

Labcorp Genetics (formerly Invitae), Labcorp
Classification: Benign. Last evaluated: 2026-01-01. Review status: criteria provided, single submitter. Criteria: Invitae Variant Classification Sherloc (09022015). Collection method: clinical testing. Allele origin: germline.

GeneDx
Classification: Uncertain significance. Last evaluated: 2024-05-08. Review status: criteria provided, single submitter. Criteria: GeneDx Variant Classification Process June 2021. Collection method: clinical testing. Allele origin: germline. Affected: yes.
Comment: In silico analysis indicates that this missense variant does not alter protein structure/function; Has not been previously published as pathogenic or benign to our knowledge

PreventionGenetics, part of Exact Sciences
Classification: Uncertain significance for COL11A2-related condition. Last evaluated: 2024-06-03. Review status: no assertion criteria provided. Collection method: clinical testing. Allele origin: germline. Not counted in ClinVar's aggregate classification.
Comment: The COL11A2 c.833C>T variant is predicted to result in the amino acid substitution p.Pro278Leu. To our knowledge, this variant has not been reported in the literature. This variant is reported in 0.046% of alleles in individuals of Latino descent in gnomAD. At this time, the clinical significance of this variant is uncertain due to the absence of conclusive functional and genetic evidence.

NM_080680.3(COL11A2):c.833C>T (p.Pro278Leu)

Gene: COL11A2 (collagen type XI alpha 2 chain; minus strand). Cytogenetic location: 6p21.32.
Variant type: single nucleotide variant.
Coding change: c.833C>T on transcript NM_080680.3 (MANE Select); coding-DNA position 833, C replaced by T.
Protein change: p.Pro278Leu; replaces proline 278 with leucine.
Molecular consequence: missense variant. On other transcripts: intron variant (2).
Genome position (GRCh38, 1-based): chr6:33,185,744, G>A on the plus strand (C>T on the coding strand, the complement: COL11A2 is on the minus strand). VCF-style: chr6-33185744-G-A. GRCh37 (hg19) VCF-style: chr6-33153521-G-A.
Other names: c.798+883C>T (NM_080679.3); c.799-690C>T (NM_080681.3); c.833C>T (NM_080680.2); short protein forms P278L.
Identifiers: ClinVar variation 2200250 (VCV002200250.6), dbSNP rs770340871, ClinGen allele CA3751549.